The following is an entry in ClinVar:

NM_052947.4(ALPK2):c.1717C>A (p.Pro573Thr)

Gene: ALPK2 (alpha kinase 2; minus strand). Cytogenetic location: 18q21.31.
Variant type: single nucleotide variant.
Coding change: c.1717C>A on transcript NM_052947.4 (MANE Select); coding-DNA position 1717, C replaced by A.
Protein change: p.Pro573Thr; replaces proline 573 with threonine.
Molecular consequence: missense variant.
Genome position (GRCh38, 1-based): chr18:58,579,059, G>T on the plus strand (C>A on the coding strand, the complement: ALPK2 is on the minus strand). VCF-style: chr18-58579059-G-T. GRCh37 (hg19) VCF-style: chr18-56246291-G-T.
Other names: short protein forms P573T.
Identifiers: ClinVar variation 2625995 (VCV002625995.2), dbSNP rs2518898650, ClinGen allele CA402560642.

ClinVar aggregate classification (germline): Uncertain significance (1 of 4 stars; one submission).

gnomAD v4.1: 1 of 1,614,208 alleles (0.000062%); highest among the groups gnomAD compares: Non-Finnish European, 0.000085%; no homozygotes.

Submission:

Ambry Genetics
Classification: Uncertain significance. Last evaluated: 2023-07-12. Review status: criteria provided, single submitter. Criteria: Ambry Variant Classification Scheme 2023. Collection method: clinical testing. Allele origin: germline.
Comment: The p.P573T variant (also known as c.1717C>A), located in coding exon 3 of the ALPK2 gene, results from a C to A substitution at nucleotide position 1717. The proline at codon 573 is replaced by threonine, an amino acid with highly similar properties. This amino acid position is conserved. In addition, this alteration is predicted to be tolerated by in silico analysis. Since supporting evidence is limited at this time, the clinical significance of this alteration remains unclear.